The following is an entry in ClinVar:

ClinVar aggregate classification (germline): Uncertain significance. Review status: criteria provided, multiple submitters, no conflicts (2 of 4 stars). 3 submissions from 3 submitters: Uncertain significance (3). Last evaluated 2025-10-08.

Conditions:
Cardiovascular phenotype. Identifiers: MedGen CN230736.
Brugada syndrome 8 (BRGDA8). Identifiers: Orphanet 130, MedGen C2751083, MONDO:0013148, OMIM 613123.

Allele frequency attached by ClinVar (database versions not stated): TOPMed 0.00001.
gnomAD v4.1: 2 of 1,553,180 alleles (0.00013%); highest among the groups gnomAD compares: Non-Finnish European, 0.00017%; no homozygotes.

Submissions (3):

Labcorp Genetics (formerly Invitae), Labcorp
Classification: Uncertain significance for Brugada syndrome 8. Last evaluated: 2025-10-08. Review status: criteria provided, single submitter. Criteria: Invitae Variant Classification Sherloc (09022015). Collection method: clinical testing. Allele origin: germline.
Comment: This sequence change replaces proline, which is neutral and non-polar, with serine, which is neutral and polar, at codon 172 of the HCN4 protein (p.Pro172Ser). This variant is not present in population databases (gnomAD no frequency). This variant has not been reported in the literature in individuals affected with HCN4-related conditions. ClinVar contains an entry for this variant (Variation ID: 1745659). Invitae Evidence Modeling of protein sequence and biophysical properties (such as structural, functional, and spatial information, amino acid conservation, physicochemical variation, residue mobility, and thermodynamic stability) indicates that this missense variant is not expected to disrupt HCN4 protein function with a negative predictive value of 95%. In summary, the available evidence is currently insufficient to determine the role of this variant in disease. Therefore, it has been classified as a Variant of Uncertain Significance.

Women's Health and Genetics/Laboratory Corporation of America, LabCorp
Classification: Uncertain significance. Last evaluated: 2023-10-19. Review status: criteria provided, single submitter. Criteria: LabCorp Variant Classification Summary - May 2015. Collection method: clinical testing. Allele origin: germline.

Ambry Genetics
Classification: Uncertain significance for Cardiovascular phenotype. Last evaluated: 2023-09-24. Review status: criteria provided, single submitter. Criteria: Ambry Variant Classification Scheme 2023. Collection method: clinical testing. Allele origin: germline.
Comment: The p.P172S variant (also known as c.514C>T), located in coding exon 1 of the HCN4 gene, results from a C to T substitution at nucleotide position 514. The proline at codon 172 is replaced by serine, an amino acid with similar properties. This amino acid position is not well conserved in available vertebrate species, and serine is the reference amino acid in other vertebrate species. In addition, this alteration is predicted to be tolerated by in silico analysis. Since supporting evidence is limited at this time, the clinical significance of this alteration remains unclear.

NM_005477.3(HCN4):c.514C>T (p.Pro172Ser)

Gene: HCN4 (hyperpolarization activated cyclic nucleotide gated potassium channel 4; minus strand). Cytogenetic location: 15q24.1.
Variant type: single nucleotide variant.
Coding change: c.514C>T on transcript NM_005477.3 (MANE Select); coding-DNA position 514, C replaced by T.
Protein change: p.Pro172Ser; replaces proline 172 with serine.
Molecular consequence: missense variant.
Genome position (GRCh38, 1-based): chr15:73,367,757, G>A on the plus strand (C>T on the coding strand, the complement: HCN4 is on the minus strand). VCF-style: chr15-73367757-G-A. GRCh37 (hg19) VCF-style: chr15-73660098-G-A.
Other names: short protein forms P172S.
Identifiers: ClinVar variation 1745659 (VCV001745659.8), dbSNP rs1595837376, ClinGen allele CA393097781.